The following is an entry in ClinVar:

NM_000245.4(MET):c.1151_1152delinsTG (p.Arg384Met)

Gene: MET (MET proto-oncogene, receptor tyrosine kinase; plus strand). Cytogenetic location: 7q31.2.
Variant type: Indel.
Coding change: c.1151_1152delinsTG on transcript NM_000245.4 (MANE Select); coding-DNA positions 1151 to 1152, GA replaced by TG.
Protein change: p.Arg384Met; replaces arginine 384 with methionine.
Molecular consequence: missense variant. On other transcripts: intron variant (1).
Genome position (GRCh38, 1-based): chr7:116,700,235-116,700,236, GA replaced by TG. VCF-style: chr7-116700235-GA-TG. GRCh37 (hg19) VCF-style: chr7-116340289-GA-TG.
Other names: c.1151_1152delinsTG, p.Arg384Met (NM_001127500.3, NM_001324401.3); c.-91+27658_-91+27659delinsTG (NM_001324402.2); short protein forms R384M.
Identifiers: ClinVar variation 2567684 (VCV002567684.2), dbSNP rs2485516938, ClinGen allele CA2580617091.

ClinVar aggregate classification (germline): Uncertain significance (1 of 4 stars; one submission).

Conditions:
Hereditary cancer-predisposing syndrome. Also called: Hereditary neoplastic syndrome; Hereditary Cancer Syndrome; Neoplastic Syndromes, Hereditary; Tumor predisposition. Identifiers: Orphanet 140162, MedGen C0027672, MeSH D009386, MONDO:0015356.

Submission:

Ambry Genetics
Classification: Uncertain significance for Hereditary cancer-predisposing syndrome. Last evaluated: 2023-04-27. Review status: criteria provided, single submitter. Criteria: Ambry Variant Classification Scheme 2023. Collection method: clinical testing. Allele origin: germline.
Comment: The c.1151_1152delGAinsTG variant (also known as p.R384M), located in coding exon 1 of the MET gene, results from an in-frame deletion of GA and insertion of TG at nucleotide positions 1151 to 1152. This results in the substitution of the arginine residue for a methionine residue at codon 384, an amino acid with similar properties. This amino acid position is well conserved in available vertebrate species. In addition, the in silico prediction for this alteration is inconclusive (Choi Y et al. PLoS ONE. 2012; 7(10):e46688). Since supporting evidence is limited at this time, the clinical significance of this alteration remains unclear.